The following is an entry in ClinVar:

NM_152564.5(VPS13B):c.10375A>C (p.Met3459Leu)

Gene: VPS13B (vacuolar protein sorting 13 homolog B; plus strand). Cytogenetic location: 8q22.2.
Variant type: single nucleotide variant.
Coding change: c.10375A>C on transcript NM_152564.5 (MANE Select); coding-DNA position 10375, A replaced by C.
Protein change: p.Met3459Leu; replaces methionine 3459 with leucine.
Molecular consequence: missense variant.
Genome position (GRCh38, 1-based): chr8:99,853,764, A>C. VCF-style: chr8-99853764-A-C. GRCh37 (hg19) VCF-style: chr8-100865992-A-C.
Other names: c.10450A>C, p.Met3484Leu (NM_017890.5); short protein forms M3484L, M3459L.
Identifiers: ClinVar variation 4994825 (VCV004994825.1).

ClinVar aggregate classification (germline): Uncertain significance (1 of 4 stars; one submission).

Conditions:
VPS13B-related disorder. Also called: VPS13B-related condition.

Submission:

PreventionGenetics, part of Exact Sciences
Classification: Uncertain significance for VPS13B-related condition. Last evaluated: 2026-05-29. Review status: criteria provided, single submitter. Criteria: ACMG Guidelines, 2015. Collection method: clinical testing. Allele origin: germline.
Comment: The VPS13B c.10375A>C variant is predicted to result in the amino acid substitution p.Met3459Leu. To our knowledge, this variant has not been reported in the literature or in a large population database (gnomAD), indicating this variant is rare. At this time, the clinical significance of this variant is uncertain due to the absence of conclusive functional and genetic evidence.